The following is an entry in ClinVar:

ClinVar aggregate classification (germline): Likely benign (1 of 4 stars; one submission).

Allele frequency attached by ClinVar (database versions not stated): 1000 Genomes Project 0.00060; 1000 Genomes Project 30x 0.00078; TOPMed 0.00192; ESP Exome Variant Server 0.00294; gnomAD 0.00298; gnomAD exomes 0.00318; ExAC 0.00554.
gnomAD v4.1: 4,985 of 1,595,934 alleles (0.31%); highest among the groups gnomAD compares: Non-Finnish European, 0.36%; 23 homozygotes.

Submission:

CeGaT Center for Human Genetics Tuebingen
Classification: Likely benign. Last evaluated: 2023-01-01. Review status: criteria provided, single submitter. Criteria: CeGaT Center For Human Genetics Tuebingen Variant Classification Criteria Version 2. Collection method: clinical testing. Allele origin: germline. Affected: yes. Observed: 1 variant allele.
Comment: MGAM: BS2

NM_001365693.1(MGAM):c.83T>C (p.Ile28Thr)

Gene: MGAM (maltase-glucoamylase; plus strand). Cytogenetic location: 7q34.
Variant type: single nucleotide variant.
Coding change: c.83T>C on transcript NM_001365693.1 (MANE Select); coding-DNA position 83, T replaced by C.
Protein change: p.Ile28Thr; replaces isoleucine 28 with threonine.
Molecular consequence: missense variant.
Genome position (GRCh38, 1-based): chr7:142,005,613, T>C. VCF-style: chr7-142005613-T-C. GRCh37 (hg19) VCF-style: chr7-141705413-T-C.
Other names: c.83T>C, p.Ile28Thr (NM_004668.3); short protein forms I28T.
Identifiers: ClinVar variation 2658097 (VCV002658097.24), dbSNP rs201144916, ClinGen allele CA4520297.